The following is an entry in ClinVar:

ClinVar aggregate classification (germline): Pathogenic. Review status: criteria provided, multiple submitters, no conflicts (2 of 4 stars). 3 submissions from 3 submitters: Pathogenic (3). Last evaluated 2026-01-19.

Conditions:
Succinate-semialdehyde dehydrogenase deficiency (SSADHD). Also called: Succinic Semialdehyde Dehydrogenase Deficiency; SSADH DEFICIENCY; 4-HYDROXYBUTYRIC ACIDURIA; GABA METABOLIC DEFECT. Identifiers: Orphanet 22, MedGen C0268631, MONDO:0010083, OMIM 271980.
Inborn genetic diseases. Identifiers: MedGen C0950123, MeSH D030342.

Submissions (3):

Labcorp Genetics (formerly Invitae), Labcorp
Classification: Pathogenic for Succinate-semialdehyde dehydrogenase deficiency. Last evaluated: 2026-01-19. Review status: criteria provided, single submitter. Criteria: Invitae Variant Classification Sherloc (09022015). Collection method: clinical testing. Allele origin: germline.
Comment: This sequence change creates a premature translational stop signal (p.Arg261*) in the ALDH5A1 gene. It is expected to result in an absent or disrupted protein product. Loss-of-function variants in ALDH5A1 are known to be pathogenic (PMID: 14635103). This variant is present in population databases (rs774496720, gnomAD 0.006%). This premature translational stop signal has been observed in individual(s) with succinic semialdehyde dehydrogenase deficiency (PMID: 14635103). ClinVar contains an entry for this variant (Variation ID: 1878468). For these reasons, this variant has been classified as Pathogenic.

Ambry Genetics
Classification: Pathogenic for Inborn genetic diseases. Last evaluated: 2021-10-22. Review status: criteria provided, single submitter. Criteria: Ambry Variant Classification Scheme 2023. Collection method: clinical testing. Allele origin: germline.
Comment: The c.781C>T (p.R261*) alteration, located in exon 5 (coding exon 5) of the ALDH5A1 gene, consists of a C to T substitution at nucleotide position 781. This changes the amino acid from an arginine (R) to a stop codon at amino acid position 261. This alteration is expected to result in loss of function by premature protein truncation or nonsense-mediated mRNA decay. Based on data from gnomAD, the T allele has an overall frequency of 0.003% (7/251,480) total alleles studied. The highest observed frequency was 0.007% (2/30,616) of South Asian alleles. This alteration was reported compound heterozygous with another missense alteration in a patient with succinate semialdehyde dehydrogenase deficiency (SSADH), diagnosed based on decreased SSADH enzyme activity in leukocytes and abnormal 4-hydroxybutyrate (GHB). No RT-PCR product was detected in this patient (Akaboshi, 2003). Based on the available evidence, this alteration is classified as pathogenic.

Elsea Laboratory, Baylor College of Medicine
Classification: Pathogenic for Succinate-semialdehyde dehydrogenase deficiency. Last evaluated: 2021-03-08. Review status: criteria provided, single submitter. Criteria: Martin et al. (J Child Neurol. 2021). Collection method: curation. Allele origin: germline. Affected: yes.

Literature cited by the submitters: PubMed 14635103 (cited by 3 submitters).

NM_001080.3(ALDH5A1):c.781C>T (p.Arg261Ter)

Gene: ALDH5A1 (aldehyde dehydrogenase 5 family member A1; plus strand). Cytogenetic location: 6p22.3.
Variant type: single nucleotide variant.
Coding change: c.781C>T on transcript NM_001080.3 (MANE Select); coding-DNA position 781, C replaced by T.
Protein change: p.Arg261Ter; replaces arginine 261 with a stop codon.
Molecular consequence: nonsense. On other transcripts: intron variant (1).
Genome position (GRCh38, 1-based): chr6:24,515,221, C>T. VCF-style: chr6-24515221-C-T. GRCh37 (hg19) VCF-style: chr6-24515449-C-T.
Other names: c.820C>T, p.Arg274Ter (NM_170740.1); c.727-5180C>T (NM_001368954.1); short protein forms R261*, R274*.
Identifiers: ClinVar variation 1878468 (VCV001878468.5), dbSNP rs774496720, ClinGen allele CA3656747.